The following is an entry in ClinVar:

ClinVar aggregate classification (germline): Conflicting classifications of pathogenicity. Review status: criteria provided, conflicting classifications (1 of 4 stars). 2 submissions from 2 submitters: Uncertain significance (1); Likely benign (1). Last evaluated 2025-09-27.

Conditions:
Inborn genetic diseases. Identifiers: MedGen C0950123, MeSH D030342.

Allele frequency attached by ClinVar (database versions not stated): gnomAD exomes below 0.00001; TOPMed below 0.00001; ExAC 0.00001; gnomAD 0.00001.
gnomAD v4.1: 4 of 1,613,806 alleles (0.00025%); highest among the groups gnomAD compares: Middle Eastern, 0.016%; no homozygotes.

Submissions (2):

Ambry Genetics
Classification: Likely benign for Inborn genetic diseases. Last evaluated: 2025-09-27. Review status: criteria provided, single submitter. Criteria: Ambry Variant Classification Scheme 2023. Collection method: clinical testing. Allele origin: germline.

Labcorp Genetics (formerly Invitae), Labcorp
Classification: Uncertain significance. Last evaluated: 2024-03-04. Review status: criteria provided, single submitter. Criteria: Invitae Variant Classification Sherloc (09022015). Collection method: clinical testing. Allele origin: germline.
Comment: This sequence change replaces arginine, which is basic and polar, with glutamine, which is neutral and polar, at codon 1433 of the TTC37 protein (p.Arg1433Gln). This variant is present in population databases (rs749081811, gnomAD 0.002%). This variant has not been reported in the literature in individuals affected with TTC37-related conditions. ClinVar contains an entry for this variant (Variation ID: 1404397). Algorithms developed to predict the effect of missense changes on protein structure and function output the following: SIFT: "Not Available"; PolyPhen-2: "Benign"; Align-GVGD: "Not Available". The glutamine amino acid residue is found in multiple mammalian species, which suggests that this missense change does not adversely affect protein function. In summary, the available evidence is currently insufficient to determine the role of this variant in disease. Therefore, it has been classified as a Variant of Uncertain Significance.

NM_014639.4(SKIC3):c.4298G>A (p.Arg1433Gln)

Gene: SKIC3 (SKI3 subunit of superkiller complex; minus strand). Cytogenetic location: 5q15.
Variant type: single nucleotide variant.
Coding change: c.4298G>A on transcript NM_014639.4 (MANE Select); coding-DNA position 4298, G replaced by A.
Protein change: p.Arg1433Gln; replaces arginine 1433 with glutamine.
Molecular consequence: missense variant.
Genome position (GRCh38, 1-based): chr5:95,478,357, C>T on the plus strand (G>A on the coding strand, the complement: SKIC3 is on the minus strand). VCF-style: chr5-95478357-C-T. GRCh37 (hg19) VCF-style: chr5-94814061-C-T.
Other names: c.4298G>A (NM_014639.3); short protein forms R1433Q.
Identifiers: ClinVar variation 1404397 (VCV001404397.7), dbSNP rs749081811, ClinGen allele CA3346435.